The following is an entry in ClinVar:

NM_152383.5(DIS3L2):c.702+25C>T

Gene: DIS3L2 (DIS3 like 3'-5' exoribonuclease 2; plus strand). Cytogenetic location: 2q37.1.
Variant type: single nucleotide variant.
Coding change: c.702+25C>T on transcript NM_152383.5 (MANE Select); 25 bases into the intron after coding-DNA position 702, C replaced by T.
Molecular consequence: intron variant. On other transcripts: missense variant (1), non-coding transcript variant (1).
Genome position (GRCh38, 1-based): chr2:232,130,744, C>T. VCF-style: chr2-232130744-C-T. GRCh37 (hg19) VCF-style: chr2-232995454-C-T.
Other names: c.727C>T, p.Arg243Cys (NM_001257282.2); c.702+25C>T (NM_001257281.2); short protein forms R243C.
Identifiers: ClinVar variation 5038400 (VCV005038400.1).

ClinVar aggregate classification (germline): Uncertain significance (1 of 4 stars; one submission).

Conditions:
Perlman syndrome (PRLMNS). Identifiers: Orphanet 2849, MedGen C0796113, MONDO:0009965, OMIM 267000.

gnomAD v4.1: 14 of 1,611,826 alleles (0.00087%); highest among the groups gnomAD compares: Admixed American, 0.01%; no homozygotes.

Submission:

St. Jude Molecular Pathology, St. Jude Children's Research Hospital
Classification: Uncertain significance for Perlman syndrome. Last evaluated: 2026-10-01. Review status: criteria provided, single submitter. Criteria: St. Jude Assertion Criteria 2020. Collection method: clinical testing. Allele origin: germline.
Comment: The DIS3L2 c.727C>T p.(Arg243Cys) miss ense change has a maximum subpopulation frequency of 0.01% in gnomAD v2.1.1. The in silico tool REVEL is inconclusive about a pathogenic or benign effect of this variant on protein function, and to our knowledge funct ional studies have not been performed. To our knowledge, this variant has not been reported in individuals with DIS3L2-associated conditions. In summary, the evidence currently available is insufficient to determine the clinical significance of this variant. It has therefore been classified as of uncertain significance.